The following is an entry in ClinVar:

NM_020822.3(KCNT1):c.104C>T (p.Ala35Val)

Gene: KCNT1 (potassium sodium-activated channel subfamily T member 1; plus strand). Cytogenetic location: 9q34.3.
Variant type: single nucleotide variant.
Coding change: c.104C>T on transcript NM_020822.3 (MANE Select); coding-DNA position 104, C replaced by T.
Protein change: p.Ala35Val; replaces alanine 35 with valine.
Molecular consequence: missense variant.
Genome position (GRCh38, 1-based): chr9:135,702,362, C>T. VCF-style: chr9-135702362-C-T. GRCh37 (hg19) VCF-style: chr9-138594208-C-T.
Other names: c.104C>T, p.Ala35Val (NM_001272003.2); short protein forms A35V.
Identifiers: ClinVar variation 447645 (VCV000447645.54), dbSNP rs772080195, ClinGen allele CA5326257.
Genomic context (GRCh38, chr9:135,702,362, plus strand): 5'-GGGAGGCGCGCGGCGGGGGCTACACCAACCGGACCTTCGAGTTTGACGACGGCCAATGCG[C>T]CCCCAGGTACAGTCTGCTGCGCCCTCCCCACGCGGGGAGGCCCCGGTCTAACCTAAGACC-3'
Protein context (NP_065873.2, residues 25-45): RTFEFDDGQC[Ala35Val]PRRPCAGDGA

ClinVar aggregate classification (germline): Conflicting classifications of pathogenicity. Review status: criteria provided, conflicting classifications (1 of 4 stars). 7 submissions from 7 submitters: Uncertain significance (1); Likely benign (6). Last evaluated 2025-11-10.

Conditions:
Inborn genetic diseases. Identifiers: MedGen C0950123, MeSH D030342.
Developmental and epileptic encephalopathy, 14 (DEE14). Also called: Early infantile epileptic encephalopathy 14. Identifiers: Orphanet 293181, MedGen C3554195, MONDO:0013989, OMIM 614959.
Autosomal dominant nocturnal frontal lobe epilepsy 5. Also called: KCNT1-Related Epilepsy; Epilepsy, nocturnal frontal lobe, 5; CILIARY DYSKINESIA, PRIMARY, 28, WITHOUT SITUS INVERSUS; CILIARY DYSKINESIA, PRIMARY, 28, WITH SITUS INVERSUS. Identifiers: Orphanet 98784, MedGen C3554306, MONDO:0014002, OMIM 615005.

Allele frequency attached by ClinVar (database versions not stated): gnomAD 0.00002; TOPMed 0.00004.
gnomAD v4.1: 105 of 1,609,770 alleles (0.0065%); highest among the groups gnomAD compares: Non-Finnish European, 0.0087%; no homozygotes.

Submissions (7):

Labcorp Genetics (formerly Invitae), Labcorp
Classification: Likely benign for Autosomal dominant nocturnal frontal lobe epilepsy 5; Developmental and epileptic encephalopathy, 14. Last evaluated: 2025-11-10. Review status: criteria provided, single submitter. Criteria: Invitae Variant Classification Sherloc (09022015). Collection method: clinical testing. Allele origin: germline.

CeGaT Center for Human Genetics Tuebingen
Classification: Likely benign. Last evaluated: 2025-07-01. Review status: criteria provided, single submitter. Criteria: CeGaT Center For Human Genetics Tuebingen Variant Classification Criteria Version 2. Collection method: clinical testing. Allele origin: germline. Affected: yes. Observed: 7 variant alleles.
Comment: KCNT1: BS2

Laboratory of Genetics, Children's Clinical University Hospital Latvia
Classification: Likely benign. Last evaluated: 2025-02-16. Review status: criteria provided, single submitter. Criteria: ACMG Guidelines, 2015. Collection method: clinical testing. Allele origin: germline. Affected: yes.

Ambry Genetics
Classification: Likely benign for Inborn genetic diseases. Last evaluated: 2024-11-26. Review status: criteria provided, single submitter. Criteria: Ambry Variant Classification Scheme 2023. Collection method: clinical testing. Allele origin: germline.

Blueprint Genetics
Classification: Likely benign. Last evaluated: 2024-10-24. Review status: criteria provided, single submitter. Criteria: ACMG Guidelines, 2015. Collection method: clinical testing. Allele origin: germline.

GeneDx
Classification: Likely benign. Last evaluated: 2017-12-18. Review status: criteria provided, single submitter. Criteria: GeneDx Variant Classification (06012015). Collection method: clinical testing. Allele origin: germline. Affected: yes.
Comment: This variant is considered likely benign or benign based on one or more of the following criteria: it is a conservative change, it occurs at a poorly conserved position in the protein, it is predicted to be benign by multiple in silico algorithms, and/or has population frequency not consistent with disease.

Athena Diagnostics
Classification: Uncertain significance. Last evaluated: 2017-04-12. Review status: criteria provided, single submitter. Criteria: Athena Diagnostics Criteria. Collection method: clinical testing. Allele origin: germline.